The following is an entry in ClinVar:

ClinVar aggregate classification (germline): Uncertain significance. Review status: criteria provided, multiple submitters, no conflicts (2 of 4 stars). 2 submissions from 2 submitters: Uncertain significance (2). Last evaluated 2025-07-03.

Conditions:
PDE1C-related disorder. Also called: PDE1C-related condition.

gnomAD v4.1: 11 of 1,613,972 alleles (0.00068%); highest among the groups gnomAD compares: East Asian, 0.0022%; no homozygotes.

Submissions (2):

PreventionGenetics, part of Exact Sciences
Classification: Uncertain significance for PDE1C-related condition. Last evaluated: 2025-07-03. Review status: criteria provided, single submitter. Criteria: ACMG Guidelines, 2015. Collection method: clinical testing. Allele origin: germline.
Comment: The PDE1C c.877G>A variant is predicted to result in the amino acid substitution p.Ala293Thr. To our knowledge, this variant has not been reported in the literature. This variant is reported in 0.0054% of alleles in individuals of East Asian descent in gnomAD. At this time, the clinical significance of this variant is uncertain due to the absence of conclusive functional and genetic evidence.

Ambry Genetics
Classification: Uncertain significance. Last evaluated: 2024-12-02. Review status: criteria provided, single submitter. Criteria: Ambry Variant Classification Scheme 2023. Collection method: clinical testing. Allele origin: germline.

NM_001191057.4(PDE1C):c.697G>A (p.Ala233Thr)

Gene: PDE1C (phosphodiesterase 1C; minus strand). Cytogenetic location: 7p14.3.
Variant type: single nucleotide variant.
Coding change: c.697G>A on transcript NM_001191057.4 (MANE Select); coding-DNA position 697, G replaced by A.
Protein change: p.Ala233Thr; replaces alanine 233 with threonine.
Molecular consequence: missense variant.
Genome position (GRCh38, 1-based): chr7:31,864,995, C>T on the plus strand (G>A on the coding strand, the complement: PDE1C is on the minus strand). VCF-style: chr7-31864995-C-T. GRCh37 (hg19) VCF-style: chr7-31904609-C-T.
Other names: c.697G>A, p.Ala233Thr (NM_001191056.3, NM_001191059.4, NM_001322055.2 and 3 more transcripts); c.877G>A, p.Ala293Thr (NM_001191058.4, NM_001322058.2); c.1102G>A, p.Ala368Thr (NM_001322059.2); c.877G>A (NM_001191058.3); short protein forms A293T, A368T, A233T.
Identifiers: ClinVar variation 3416194 (VCV003416194.2).